The following is an entry in ClinVar:

ClinVar aggregate classification (germline): Likely benign (1 of 4 stars; one submission).

Allele frequency attached by ClinVar (database versions not stated): 1000 Genomes Project 0.00699; 1000 Genomes Project 30x 0.00734.
gnomAD v4.1: 1,869 of 878,676 alleles (0.21%); highest among the groups gnomAD compares: African/African-American, 2.9%; 32 homozygotes.

Submission:

GeneDx
Classification: Likely benign. Last evaluated: 2019-05-28. Review status: criteria provided, single submitter. Criteria: GeneDx Variant Classification Process June 2021. Collection method: clinical testing. Allele origin: germline. Affected: yes.
Comment: See Variant Classification Assertion Criteria.

NM_001369.3(DNAH5):c.4117-135C>T

Genes: DNAH5 (dynein axonemal heavy chain 5; minus strand), DNAH5-AS1 (DNAH5 antisense RNA 1; plus strand). Cytogenetic location: 5p15.2.
Variant type: single nucleotide variant.
Coding change: c.4117-135C>T on transcript NM_001369.3 (MANE Select); 135 bases into the intron before coding-DNA position 4117, C replaced by T.
Molecular consequence: intron variant.
Genome position (GRCh38, 1-based): chr5:13,866,041, G>A on the plus strand (C>T on the coding strand, the complement: DNAH5 is on the minus strand). VCF-style: chr5-13866041-G-A. GRCh37 (hg19) VCF-style: chr5-13866150-G-A.
Identifiers: ClinVar variation 1707362 (VCV001707362.2), dbSNP rs61041034, ClinGen allele CA113976965.